The following is an entry in ClinVar:

NM_016222.4(DDX41):c.1738C>T (p.Arg580Cys)

Gene: DDX41 (DEAD-box helicase 41; minus strand). Cytogenetic location: 5q35.3.
Variant type: single nucleotide variant.
Coding change: c.1738C>T on transcript NM_016222.4 (MANE Select); coding-DNA position 1738, C replaced by T.
Protein change: p.Arg580Cys; replaces arginine 580 with cysteine.
Molecular consequence: missense variant.
Genome position (GRCh38, 1-based): chr5:177,511,922, G>A on the plus strand (C>T on the coding strand, the complement: DDX41 is on the minus strand). VCF-style: chr5-177511922-G-A. GRCh37 (hg19) VCF-style: chr5-176938923-G-A.
Other names: c.1360C>T, p.Arg454Cys (NM_001321732.2, NM_001321830.2); short protein forms R580C, R454C.
Identifiers: ClinVar variation 3839058 (VCV003839058.1).
Genomic context (GRCh38, chr5:177,511,922, plus strand): 5'-CCTCGAGTTTGGGGCAGTCAGTGATCCGATGACCCAGGCCCCCGCAGAAGGCACAGCCGC[G>A]CTCTCCTGGGGGAATGGGGACAGGGGTCAGCCAAGTCAAGGACCAGGATCCATGCCCTGG-3'
Protein context (NP_057306.2, residues 570-590): DESMLDIGGE[Arg580Cys]GCAFCGGLGH

ClinVar aggregate classification (germline): Uncertain significance (1 of 4 stars; one submission).

Conditions:
Inborn genetic diseases. Identifiers: MedGen C0950123, MeSH D030342.

gnomAD v4.1: 16 of 1,613,702 alleles (0.00099%); highest among the groups gnomAD compares: Non-Finnish European, 0.0012%; no homozygotes.

Submission:

Ambry Genetics
Classification: Uncertain significance for Inborn genetic diseases. Last evaluated: 2025-03-13. Review status: criteria provided, single submitter. Criteria: Ambry Variant Classification Scheme 2023. Collection method: clinical testing. Allele origin: germline.
Comment: The p.R580C variant (also known as c.1738C>T), located in coding exon 17 of the DDX41 gene, results from a C to T substitution at nucleotide position 1738. The arginine at codon 580 is replaced by cysteine, an amino acid with highly dissimilar properties. This variant has been reported in 14 United Kingdom Biobank participants in a study of the prevalence of DDX41 variants in the general population (Cheloor Kovilakam S et al. Blood, 2023 Oct;142:1185-1192). This amino acid position is highly conserved in available vertebrate species. In addition, the in silico prediction for this alteration is inconclusive. Based on the available evidence, the clinical significance of this variant remains unclear.

Literature cited by the submitters: PubMed 37506341.